The following is an entry in ClinVar:

NM_001005273.3(CHD3):c.3337G>A (p.Ala1113Thr)

Gene: CHD3 (chromodomain helicase DNA binding protein 3; plus strand). Cytogenetic location: 17p13.1.
Variant type: single nucleotide variant.
Coding change: c.3337G>A on transcript NM_001005273.3 (MANE Select); coding-DNA position 3337, G replaced by A.
Protein change: p.Ala1113Thr; replaces alanine 1113 with threonine.
Molecular consequence: missense variant.
Genome position (GRCh38, 1-based): chr17:7,902,694, G>A. VCF-style: chr17-7902694-G-A. GRCh37 (hg19) VCF-style: chr17-7806012-G-A.
Other names: c.3514G>A, p.Ala1172Thr (NM_001005271.3); c.3337G>A, p.Ala1113Thr (NM_005852.4); short protein forms A1113T, A1172T.
Identifiers: ClinVar variation 1309228 (VCV001309228.2), dbSNP rs1274980815, ClinGen allele CA397941647.

ClinVar aggregate classification (germline): Uncertain significance (1 of 4 stars; one submission).

Submission:

GeneDx
Classification: Uncertain significance. Last evaluated: 2019-10-25. Review status: criteria provided, single submitter. Criteria: GeneDx Variant Classification Process June 2021. Collection method: clinical testing. Allele origin: germline. Affected: yes.
Comment: Not observed in large population cohorts (Lek et al., 2016); In silico analysis, which includes splice predictors and evolutionary conservation, supports a deleterious effect; In addition, in silico analysis, which includes protein predictors and evolutionary conservation, supports that this variant does not alter protein structure/function; In the absence of RNA/functional studies, the actual effect of this sequence change is unknown; Has not been previously published as pathogenic or benign to our knowledge